The following is an entry in ClinVar:

NM_000257.4(MYH7):c.1491G>A (p.Glu497=)

Gene: MYH7 (myosin heavy chain 7; minus strand). Cytogenetic location: 14q11.2.
Variant type: single nucleotide variant.
Coding change: c.1491G>A on transcript NM_000257.4 (MANE Select); coding-DNA position 1491, G replaced by A.
Protein change: p.Glu497=; no amino-acid change (glutamic acid 497 retained).
Molecular consequence: synonymous variant.
Genome position (GRCh38, 1-based): chr14:23,428,587, C>T on the plus strand (G>A on the coding strand, the complement: MYH7 is on the minus strand). VCF-style: chr14-23428587-C-T. GRCh37 (hg19) VCF-style: chr14-23897796-C-T.
Identifiers: ClinVar variation 668287 (VCV000668287.2), dbSNP rs267606911, ClinGen allele CA485624601.

ClinVar aggregate classification (germline): Likely benign. Review status: criteria provided, multiple submitters, no conflicts (2 of 4 stars). 2 submissions from 2 submitters: Likely benign (2). Last evaluated 2025-09-07.

Conditions:
Cardiovascular phenotype. Identifiers: MedGen CN230736.

Submissions (2):

Ambry Genetics
Classification: Likely benign for Cardiovascular phenotype. Last evaluated: 2025-09-07. Review status: criteria provided, single submitter. Criteria: Ambry Variant Classification Scheme 2023. Collection method: clinical testing. Allele origin: germline.

GeneDx
Classification: Likely benign. Last evaluated: 2018-05-10. Review status: criteria provided, single submitter. Criteria: GeneDx Variant Classification (06012015). Collection method: clinical testing. Allele origin: germline. Affected: yes.
Comment: This variant is considered likely benign or benign based on one or more of the following criteria: it is a conservative change, it occurs at a poorly conserved position in the protein, it is predicted to be benign by multiple in silico algorithms, and/or has population frequency not consistent with disease.